The following is an entry in ClinVar:

ClinVar aggregate classification (germline): Pathogenic (1 of 4 stars; one submission).

Conditions:
Hereditary cancer-predisposing syndrome. Also called: Tumor predisposition; Hereditary Cancer Syndrome; Neoplastic Syndromes, Hereditary; Hereditary neoplastic syndrome. Identifiers: Orphanet 140162, MedGen C0027672, MeSH D009386, MONDO:0015356.

Submission:

Ambry Genetics
Classification: Pathogenic for Hereditary cancer-predisposing syndrome. Last evaluated: 2021-01-26. Review status: criteria provided, single submitter. Criteria: Ambry Variant Classification Scheme 2023. Collection method: clinical testing. Allele origin: germline.
Comment: The c.2812_2814delGACinsTAA pathogenic mutation (also known as p.D938*), located in coding exon 4 of the MSH6 gene, results from an in-frame deletion of GAC and insertion of TAA at nucleotide positions 2812 to 2814. This results in the substitution of the aspartic acid residue for a stop codon at codon 938. This alteration is expected to result in loss of function due to an abnormal transcript, a translational frameshift leading to premature truncation, or nonsense-mediated mRNA decay. As such, this alteration is interpreted as a disease-causing mutation.

NM_000179.3(MSH6):c.2812_2814delinsTAA (p.Asp938Ter)

Gene: MSH6 (mutS homolog 6; plus strand). Cytogenetic location: 2p16.3.
Variant type: Indel.
Coding change: c.2812_2814delinsTAA on transcript NM_000179.3 (MANE Select); coding-DNA positions 2812 to 2814, GAC replaced by TAA.
Protein change: p.Asp938Ter; replaces aspartic acid 938 with a stop codon.
Molecular consequence: nonsense.
Genome position (GRCh38, 1-based): chr2:47,800,795-47,800,797, GAC replaced by TAA. VCF-style: chr2-47800795-GAC-TAA. GRCh37 (hg19) VCF-style: chr2-48027934-GAC-TAA.
Other names: c.2422_2424delinsTAA, p.Asp808Ter (NM_001281492.2); c.1906_1908delinsTAA, p.Asp636Ter (NM_001281493.2, NM_001281494.2); c.2908_2910delGACinsTAA, p.Asp970Ter (NM_001406795.1, NM_001406802.1); c.2812_2814delGACinsTAA, p.Asp938Ter (NM_001406796.1, NM_001406798.1, NM_001406800.1 and 2 more transcripts); c.2515_2517delGACinsTAA, p.Asp839Ter (NM_001406797.1, NM_001406801.1, NM_001406805.1 and 10 more transcripts); c.2287_2289delGACinsTAA, p.Asp763Ter (NM_001406799.1, NM_001406806.1, NM_001406807.1); c.2734_2736delGACinsTAA, p.Asp912Ter (NM_001406804.1); c.1906_1908delGACinsTAA, p.Asp636Ter (NM_001406811.1, NM_001406812.1, NM_001406814.1 and 4 more transcripts); and 3 more; short protein forms D882*, D253*, D940*, D839*, D938*, D636*, D763*, D808*.
Identifiers: ClinVar variation 1796343 (VCV001796343.2), dbSNP rs2530694931, ClinGen allele CA2580068074.